The following is an entry in ClinVar:

ClinVar aggregate classification (germline): Uncertain significance (1 of 4 stars; one submission).

Conditions:
ZMYM3-related disorder. Also called: ZMYM3-related condition.

Submission:

PreventionGenetics, part of Exact Sciences
Classification: Uncertain significance for ZMYM3-related condition. Last evaluated: 2025-09-15. Review status: criteria provided, single submitter. Criteria: ACMG Guidelines, 2015. Collection method: clinical testing. Allele origin: germline.
Comment: The ZMYM3 c.3802+1G>T variant is predicted to disrupt the GT donor site and interfere with normal splicing. To our knowledge, this variant has not been reported in the literature or in a large population database (gnomAD), indicating this variant is rare. Loss-of-function is not an established mechanism of disease in ZMYM3. At this time, the clinical significance of this variant is uncertain due to the absence of conclusive functional and genetic evidence.

NM_201599.3(ZMYM3):c.3802+1G>T

Gene: ZMYM3 (zinc finger MYM-type containing 3; minus strand). Cytogenetic location: Xq13.1.
Variant type: single nucleotide variant.
Coding change: c.3802+1G>T on transcript NM_201599.3 (MANE Select); the canonical splice donor site of the intron after coding-DNA position 3802, G replaced by T.
Molecular consequence: splice donor variant.
Genome position (GRCh38, 1-based): chrX:71,242,169, C>A on the plus strand (G>T on the coding strand, the complement: ZMYM3 is on the minus strand). VCF-style: chrX-71242169-C-A. GRCh37 (hg19) VCF-style: chrX-70462019-C-A.
Other names: c.3766+1G>T (NM_001171162.1); c.3802+1G>T (NM_005096.3).
Identifiers: ClinVar variation 4998129 (VCV004998129.1).